The following is an entry in ClinVar:

ClinVar aggregate classification (germline): Uncertain significance (1 of 4 stars; one submission).

Allele frequency attached by ClinVar (database versions not stated): gnomAD exomes below 0.00001 and 0.00001.
gnomAD v4.1: 2 of 1,611,562 alleles (0.00012%); highest among the groups gnomAD compares: Admixed American, 0.0034%; no homozygotes.

Submission:

Labcorp Genetics (formerly Invitae), Labcorp
Classification: Uncertain significance. Last evaluated: 2022-09-27. Review status: criteria provided, single submitter. Criteria: Invitae Variant Classification Sherloc (09022015). Collection method: clinical testing. Allele origin: germline.
Comment: In summary, the available evidence is currently insufficient to determine the role of this variant in disease. Therefore, it has been classified as a Variant of Uncertain Significance. Algorithms developed to predict the effect of missense changes on protein structure and function are either unavailable or do not agree on the potential impact of this missense change (SIFT: "Deleterious"; PolyPhen-2: "Probably Damaging"; Align-GVGD: "Class C0"). ClinVar contains an entry for this variant (Variation ID: 1371364). This variant has not been reported in the literature in individuals affected with CENPF-related conditions. This variant is present in population databases (no rsID available, gnomAD 0.006%). This sequence change replaces glutamine, which is neutral and polar, with arginine, which is basic and polar, at codon 96 of the CENPF protein (p.Gln96Arg).

NM_016343.4(CENPF):c.287A>G (p.Gln96Arg)

Genes: CENPF (centromere protein F; plus strand), LOC126806006 (BRD4-independent group 4 enhancer GRCh37_chr1:214788162-214789361; plus strand). Cytogenetic location: 1q41.
Variant type: single nucleotide variant.
Coding change: c.287A>G on transcript NM_016343.4 (MANE Select); coding-DNA position 287, A replaced by G.
Protein change: p.Gln96Arg; replaces glutamine 96 with arginine.
Molecular consequence: missense variant.
Genome position (GRCh38, 1-based): chr1:214,614,956, A>G. VCF-style: chr1-214614956-A-G. GRCh37 (hg19) VCF-style: chr1-214788299-A-G.
Other names: short protein forms Q96R.
Identifiers: ClinVar variation 1371364 (VCV001371364.6), dbSNP rs1400491677, ClinGen allele CA344826138.